The following is an entry in ClinVar:

ClinVar aggregate classification (germline): Uncertain significance (1 of 4 stars; one submission).

Conditions:
Epilepsy, X-linked 1, with variable learning disabilities and behavior disorders. Also called: X-linked epilepsy-learning disabilities-behavior disorders syndrome. Identifiers: Orphanet 85294, MedGen C5774177, MONDO:0010339, OMIM 300491.

Submission:

Labcorp Genetics (formerly Invitae), Labcorp
Classification: Uncertain significance for Epilepsy, X-linked 1, with variable learning disabilities and behavior disorders. Last evaluated: 2022-01-17. Review status: criteria provided, single submitter. Criteria: Invitae Variant Classification Sherloc (09022015). Collection method: clinical testing. Allele origin: germline.
Comment: In summary, the available evidence is currently insufficient to determine the role of this variant in disease. Therefore, it has been classified as a Variant of Uncertain Significance. Algorithms developed to predict the effect of missense changes on protein structure and function are either unavailable or do not agree on the potential impact of this missense change (SIFT: "Tolerated"; PolyPhen-2: "Not Available"; Align-GVGD: "Class C0"). This variant has not been reported in the literature in individuals affected with SYN1-related conditions. This variant is not present in population databases (gnomAD no frequency). This sequence change replaces threonine, which is neutral and polar, with isoleucine, which is neutral and non-polar, at codon 649 of the SYN1 protein (p.Thr649Ile).

NM_006950.3(SYN1):c.1946C>T (p.Thr649Ile)

Gene: SYN1 (synapsin I; minus strand). Cytogenetic location: Xp11.3.
Variant type: single nucleotide variant.
Coding change: c.1946C>T on transcript NM_006950.3 (MANE Select); coding-DNA position 1946, C replaced by T.
Protein change: p.Thr649Ile; replaces threonine 649 with isoleucine.
Molecular consequence: missense variant.
Genome position (GRCh38, 1-based): chrX:47,574,038, G>A on the plus strand (C>T on the coding strand, the complement: SYN1 is on the minus strand). VCF-style: chrX-47574038-G-A. GRCh37 (hg19) VCF-style: chrX-47433437-G-A.
Other names: c.1946C>T, p.Thr649Ile (NM_133499.2); short protein forms T649I.
Identifiers: ClinVar variation 2087362 (VCV002087362.4), dbSNP rs2519684509, ClinGen allele CA412822076.